The following is an entry in ClinVar:

NM_201253.3(CRB1):c.2066A>G (p.Asn689Ser)

Gene: CRB1 (crumbs cell polarity complex component 1; plus strand). Cytogenetic location: 1q31.3.
Variant type: single nucleotide variant.
Coding change: c.2066A>G on transcript NM_201253.3 (MANE Select); coding-DNA position 2066, A replaced by G.
Protein change: p.Asn689Ser; replaces asparagine 689 with serine.
Molecular consequence: missense variant. On other transcripts: non-coding transcript variant (2).
Genome position (GRCh38, 1-based): chr1:197,421,894, A>G. VCF-style: chr1-197421894-A-G. GRCh37 (hg19) VCF-style: chr1-197391024-A-G.
Other names: c.1730A>G, p.Asn577Ser (NM_001193640.2); c.1859A>G, p.Asn620Ser (NM_001257965.2); c.2066A>G, p.Asn689Ser (NM_001257966.2); short protein forms N577S, N620S, N689S.
Identifiers: ClinVar variation 1021412 (VCV001021412.9), dbSNP rs1664351600, ClinGen allele CA344033892.

ClinVar aggregate classification (germline): Uncertain significance. Review status: criteria provided, single submitter (1 of 4 stars). 2 submissions from 2 submitters: Uncertain significance (1). 1 of the submissions does not count toward it. Last evaluated 2022-06-09.

Conditions:
Leber congenital amaurosis (LCA). Also called: Leber's amaurosis. Identifiers: Orphanet 65, MedGen C0339527, MeSH D057130, MONDO:0018998.
Retinitis pigmentosa 12 (RP12). Also called: RP WITH OR WITHOUT PRESERVED PARAARTERIOLE RETINAL PIGMENT EPITHELIUM; RETINITIS PIGMENTOSA WITH OR WITHOUT PARAARTERIOLAR PRESERVATION OF RETINAL PIGMENT EPITHELIUM; RP WITH OR WITHOUT PPRPE. Identifiers: Orphanet 791, MedGen C1838647, MONDO:0010818, OMIM 600105.
Leber congenital amaurosis 8 (LCA8). Identifiers: Orphanet 65, MedGen C3151202, MONDO:0013453, OMIM 613835.

Submissions (2):

Labcorp Genetics (formerly Invitae), Labcorp
Classification: Uncertain significance for Leber congenital amaurosis 8; Retinitis pigmentosa 12. Last evaluated: 2022-06-09. Review status: criteria provided, single submitter. Criteria: Invitae Variant Classification Sherloc (09022015). Collection method: clinical testing. Allele origin: germline.
Comment: In summary, the available evidence is currently insufficient to determine the role of this variant in disease. Therefore, it has been classified as a Variant of Uncertain Significance. Algorithms developed to predict the effect of missense changes on protein structure and function (SIFT, PolyPhen-2, Align-GVGD) all suggest that this variant is likely to be disruptive. ClinVar contains an entry for this variant (Variation ID: 1021412). This variant has not been reported in the literature in individuals affected with CRB1-related conditions. This variant is not present in population databases (gnomAD no frequency). This sequence change replaces asparagine, which is neutral and polar, with serine, which is neutral and polar, at codon 689 of the CRB1 protein (p.Asn689Ser).

Natera, Inc.
Classification: Uncertain significance for Leber congenital amaurosis. Last evaluated: 2020-09-08. Review status: no assertion criteria provided. Collection method: clinical testing. Allele origin: germline. Not counted in ClinVar's aggregate classification.